The following is an entry in ClinVar:

NM_020975.6(RET):c.134C>T (p.Ala45Val)

Gene: RET (ret proto-oncogene; plus strand). Cytogenetic location: 10q11.21.
Variant type: single nucleotide variant.
Coding change: c.134C>T on transcript NM_020975.6 (MANE Select); coding-DNA position 134, C replaced by T.
Protein change: p.Ala45Val; replaces alanine 45 with valine.
Molecular consequence: missense variant.
Genome position (GRCh38, 1-based): chr10:43,100,519, C>T. VCF-style: chr10-43100519-C-T. GRCh37 (hg19) VCF-style: chr10-43595967-C-T.
Other names: c.134C>T, p.Ala45Val (NM_000323.2, NM_001406743.1, NM_001406744.1 and 34 more transcripts); c.134_135delinsTG (NM_020975.4); short protein forms A45V.
Identifiers: ClinVar variation 405538 (VCV000405538.55), dbSNP rs763526874, ClinGen allele CA033180.

ClinVar aggregate classification (germline): Uncertain significance. Review status: criteria provided, multiple submitters, no conflicts (2 of 4 stars). 10 submissions from 10 submitters: Uncertain significance (9). 1 of the submissions does not count toward it. Last evaluated 2024-03-21.

Conditions:
Hirschsprung disease, susceptibility to, 1 (HSCR1). Also called: RET-Related Hirschsprung Disease. Identifiers: Orphanet 388, MedGen C3888239, MONDO:0007723, OMIM 142623.
Multiple endocrine neoplasia type 2B. Also called: WAGENMANN-FROBOESE SYNDROME; MULTIPLE ENDOCRINE NEOPLASIA, TYPE III; MULTIPLE ENDOCRINE NEOPLASIA, TYPE IIB; MEN IIB; NEUROMATA, MUCOSAL, WITH ENDOCRINE TUMORS; MEN 2B. Identifiers: Orphanet 247709, Orphanet 653, MedGen C0025269, MeSH D018814, MONDO:0008082, OMIM 162300.
Pheochromocytoma. Also called: MAX-Related Hereditary Paraganglioma-Pheochromocytoma Syndrome. Identifiers: Orphanet 29072, MedGen C0031511, MONDO:0008233, OMIM 171300, HP:0002666.
Familial medullary thyroid carcinoma (MTC). Also called: Thyroid cancer, familial medullary; MTC, familial; Familial Medullary Thyroid Carcinoma (FMTC). Identifiers: Orphanet 653, Orphanet 99361, MedGen C1833921, MONDO:0007958, OMIM 155240.
Multiple endocrine neoplasia type 2A. Also called: Multiple Endocrine Neoplasia Type 2A (MEN2A); MULTIPLE ENDOCRINE NEOPLASIA, TYPE IIA; PTC SYNDROME; SIPPLE SYNDROME; MEN 2A; MEN-2A syndrome. Identifiers: Orphanet 247698, Orphanet 653, MedGen C0025268, MeSH D018813, MONDO:0008234, OMIM 171400.
Hereditary cancer-predisposing syndrome. Also called: Tumor predisposition; Hereditary Cancer Syndrome; Hereditary neoplastic syndrome; Neoplastic Syndromes, Hereditary. Identifiers: Orphanet 140162, MedGen C0027672, MeSH D009386, MONDO:0015356.
Multiple endocrine neoplasia, type 2 (MEN2). Identifiers: Orphanet 653, MedGen C4048306, MONDO:0019003. Disease mechanism: gain of function.

Allele frequency attached by ClinVar (database versions not stated): ExAC 0.00002; gnomAD exomes 0.00002.
gnomAD v4.1: 16 of 1,613,688 alleles (0.00099%); highest among the groups gnomAD compares: Admixed American, 0.0067%; no homozygotes.

Submissions (11):

Baylor Genetics
Classification: Uncertain significance for Hirschsprung disease, susceptibility to, 1. Last evaluated: 2024-03-21. Review status: criteria provided, single submitter. Criteria: ACMG Guidelines, 2015. Collection method: clinical testing. Allele origin: unknown.

All of Us Research Program, National Institutes of Health
Classification: Uncertain significance for Multiple endocrine neoplasia, type 2. Last evaluated: 2024-02-05. Review status: criteria provided, single submitter. Criteria: ACMG Guidelines, 2015. Collection method: clinical testing. Allele origin: germline. Inheritance: Autosomal dominant inheritance. Observed: 4 variant alleles, 4 heterozygotes.
Comment: This missense variant replaces alanine with valine at codon 45 of the RET protein. Computational prediction suggests that this variant may not impact protein structure and function (internally defined REVEL score threshold <= 0.5, PMID: 27666373). To our knowledge, functional studies have not been reported for this variant. This variant has not been reported as a germline mutation in individuals affected with hereditary cancer in the literature. This variant has been identified in 6/249804 chromosomes in the general population by the Genome Aggregation Database (gnomAD). The available evidence is insufficient to determine the role of this variant in disease conclusively. Therefore, this variant is classified as a Variant of Uncertain Significance.

This study involves interpretation of variants in research participants for the purpose of population health screening. Participant phenotype was not available at the time of variant classification. Additional details can be found in publication PMID: 35346344, PMCID: PMC8962531

Women's Health and Genetics/Laboratory Corporation of America, LabCorp
Classification: Uncertain significance. Last evaluated: 2023-01-16. Review status: criteria provided, single submitter. Criteria: LabCorp Variant Classification Summary - May 2015. Collection method: clinical testing. Allele origin: germline.
Comment: Variant summary: RET c.134_135delinsTG (p.Ala45Val) results in a non-conservative amino acid change located in the RET Cadherin like domain 1 (IPR041163) of the encoded protein sequence. Three of five in-silico tools predict a benign effect of the variant on protein function. The variant allele was found at a frequency of 2.4e-05 in 249804 control chromosomes. The available data on variant occurrences in the general population are insufficient to allow any conclusion about variant significance. c.134_135delinsTG has been reported in the literature in an individual referred for genetic testing with a hereditary cancer panel (Tsaousis_2019). This report does not provide unequivocal conclusions about association of the variant with Multiple Endocrine Neoplasia Type 2. To our knowledge, no experimental evidence demonstrating an impact on protein function has been reported. No clinical diagnostic laboratories have submitted clinical-significance assessments for this variant to ClinVar after 2014. However, a different variant resulting in the same amino acid change (c.134C>T, p.Ala45Val) has been cited in ClinVar as a variant of uncertain significance by eight submitters (evaluation after 2014). Based on the evidence outlined above, the variant was classified as uncertain significance.

Fulgent Genetics
Classification: Uncertain significance for Hirschsprung disease, susceptibility to, 1; Familial medullary thyroid carcinoma; Multiple endocrine neoplasia type 2B; Pheochromocytoma; Multiple endocrine neoplasia type 2A. Last evaluated: 2021-11-06. Review status: criteria provided, single submitter. Criteria: ACMG Guidelines, 2015. Collection method: clinical testing. Allele origin: unknown.

Ambry Genetics
Classification: Uncertain significance for Hereditary cancer-predisposing syndrome. Last evaluated: 2021-07-16. Review status: criteria provided, single submitter. Criteria: Ambry Variant Classification Scheme 2023. Collection method: clinical testing. Allele origin: germline.
Comment: The p.A45V variant (also known as c.134C>T), located in coding exon 2 of the RET gene, results from a C to T substitution at nucleotide position 134. The alanine at codon 45 is replaced by valine, an amino acid with similar properties. This amino acid position is poorly conserved in available vertebrate species. In addition, this alteration is predicted to be tolerated by in silico analysis. Since supporting evidence is limited at this time, the clinical significance of this alteration remains unclear.

GeneDx
Classification: Uncertain significance. Last evaluated: 2020-08-28. Review status: criteria provided, single submitter. Criteria: GeneDx Variant Classification Process June 2021. Collection method: clinical testing. Allele origin: germline. Affected: yes.
Comment: In silico analysis supports that this missense variant does not alter protein structure/function; Has not been previously published as a pathogenic or benign germline variant to our knowledge; This variant is associated with the following publications: (PMID: 28350084)

Genetic Services Laboratory, University of Chicago
Classification: Uncertain significance. Last evaluated: 2019-03-04. Review status: criteria provided, single submitter. Criteria: ACMG Guidelines, 2015. Collection method: clinical testing. Allele origin: germline. Affected: no.

GeneKor MSA
Classification: Uncertain significance for Hereditary cancer-predisposing syndrome. Last evaluated: 2018-08-01. Review status: criteria provided, single submitter. Criteria: ACMG Guidelines, 2015. Collection method: clinical testing. Allele origin: germline.

Mendelics
Classification: Uncertain significance for Multiple endocrine neoplasia, type 2a. Last evaluated: 2018-07-02. Review status: criteria provided, single submitter. Criteria: Mendelics Assertion Criteria 2017. Collection method: clinical testing. Allele origin: unknown.

Counsyl
Classification: Uncertain significance for Multiple endocrine neoplasia type 2A. Last evaluated: 2017-09-26. Review status: no assertion criteria provided. Collection method: clinical testing. Allele origin: unknown. Not counted in ClinVar's aggregate classification.

Dr. Peter K. Rogan Lab, Western University
No classification provided (evidence only). Condition: Ovarian serous cystadenocarcinoma. Review status: no classification provided. Collection method: in vitro. Allele origin: not applicable. Functional consequence: retained intron. Not counted in ClinVar's aggregate classification.

Literature cited by the submitters: PubMed 31159747 (cited by Women's Health and Genetics/Laboratory Corporation of America, LabCorp).